The following is an entry in ClinVar:

ClinVar aggregate classification (germline): Uncertain significance (1 of 4 stars; one submission).

Conditions:
Cardiovascular phenotype. Identifiers: MedGen CN230736.

gnomAD v4.1: 1 of 1,610,542 alleles (0.000062%); highest among the groups gnomAD compares: Non-Finnish European, 0.000085%; no homozygotes.

Submission:

Ambry Genetics
Classification: Uncertain significance for Cardiovascular phenotype. Last evaluated: 2024-04-16. Review status: criteria provided, single submitter. Criteria: Ambry Variant Classification Scheme 2023. Collection method: clinical testing. Allele origin: germline.
Comment: The p.P1357A variant (also known as c.4069C>G), located in coding exon 10 of the TNXB gene, results from a C to G substitution at nucleotide position 4069. The proline at codon 1357 is replaced by alanine, an amino acid with highly similar properties. This amino acid position is conserved. In addition, this alteration is predicted to be tolerated by in silico analysis. Based on the available evidence, the clinical significance of this variant remains unclear.

NM_001365276.2(TNXB):c.4069C>G (p.Pro1357Ala)

Gene: TNXB (tenascin XB; minus strand). Cytogenetic location: 6p21.33.
Variant type: single nucleotide variant.
Coding change: c.4069C>G on transcript NM_001365276.2 (MANE Select); coding-DNA position 4069, C replaced by G.
Protein change: p.Pro1357Ala; replaces proline 1357 with alanine.
Molecular consequence: missense variant.
Genome position (GRCh38, 1-based): chr6:32,079,339, G>C on the plus strand (C>G on the coding strand, the complement: TNXB is on the minus strand). VCF-style: chr6-32079339-G-C. GRCh37 (hg19) VCF-style: chr6-32047116-G-C.
Other names: c.4069C>G, p.Pro1357Ala (NM_019105.8); short protein forms P1357A.
Identifiers: ClinVar variation 3327862 (VCV003327862.1).